The following is an entry in ClinVar:

NM_015570.4(AUTS2):c.1441G>A (p.Gly481Arg)

Gene: AUTS2 (activator of transcription and developmental regulator AUTS2; plus strand). Cytogenetic location: 7q11.22.
Variant type: single nucleotide variant.
Coding change: c.1441G>A on transcript NM_015570.4 (MANE Select); coding-DNA position 1441, G replaced by A.
Protein change: p.Gly481Arg; replaces glycine 481 with arginine.
Molecular consequence: missense variant.
Genome position (GRCh38, 1-based): chr7:70,764,978, G>A. VCF-style: chr7-70764978-G-A. GRCh37 (hg19) VCF-style: chr7-70229964-G-A.
Other names: c.1441G>A, p.Gly481Arg (NM_001127231.3); short protein forms G481R.
Identifiers: ClinVar variation 1701014 (VCV001701014.6), dbSNP rs767056271, ClinGen allele CA4280641.

ClinVar aggregate classification (germline): Uncertain significance. Review status: criteria provided, multiple submitters, no conflicts (2 of 4 stars). 3 submissions from 3 submitters: Uncertain significance (3). Last evaluated 2025-10-01.

Conditions:
Inborn genetic diseases. Identifiers: MedGen C0950123, MeSH D030342.

Allele frequency attached by ClinVar (database versions not stated): ExAC 0.00001; TOPMed 0.00005; gnomAD exomes 0.00001; gnomAD 0.00003 and 0.00004.

Submissions (3):

Labcorp Genetics (formerly Invitae), Labcorp
Classification: Uncertain significance. Last evaluated: 2025-10-01. Review status: criteria provided, single submitter. Criteria: Invitae Variant Classification Sherloc (09022015). Collection method: clinical testing. Allele origin: germline.
Comment: This sequence change replaces glycine, which is neutral and non-polar, with arginine, which is basic and polar, at codon 481 of the AUTS2 protein (p.Gly481Arg). This variant is present in population databases (rs767056271, gnomAD 0.007%). This variant has not been reported in the literature in individuals affected with AUTS2-related conditions. ClinVar contains an entry for this variant (Variation ID: 1701014). Invitae Evidence Modeling of protein sequence and biophysical properties (such as structural, functional, and spatial information, amino acid conservation, physicochemical variation, residue mobility, and thermodynamic stability) indicates that this missense variant is expected to disrupt AUTS2 protein function with a positive predictive value of 80%. In summary, the available evidence is currently insufficient to determine the role of this variant in disease. Therefore, it has been classified as a Variant of Uncertain Significance.

Ambry Genetics
Classification: Uncertain significance for Inborn genetic diseases. Last evaluated: 2025-04-25. Review status: criteria provided, single submitter. Criteria: Ambry Variant Classification Scheme 2023. Collection method: clinical testing. Allele origin: germline.

GeneDx
Classification: Uncertain significance. Last evaluated: 2022-02-11. Review status: criteria provided, single submitter. Criteria: GeneDx Variant Classification Process June 2021. Collection method: clinical testing. Allele origin: germline. Affected: yes.
Comment: In silico analysis supports that this missense variant has a deleterious effect on protein structure/function; Missense variant in a gene in which most reported pathogenic variants are truncating/loss-of-function; Has not been previously published as pathogenic or benign to our knowledge